The following is an entry in ClinVar:

ClinVar aggregate classification (germline): Pathogenic/Likely pathogenic. Review status: criteria provided, multiple submitters, no conflicts (2 of 4 stars). 2 submissions from 2 submitters: Pathogenic (1); Likely pathogenic (1). Last evaluated 2017-12-13.

Conditions:
CHARGE syndrome (CHARGE). Also called: CHARGE ASSOCIATION--COLOBOMA, HEART ANOMALY, CHOANAL ATRESIA, RETARDATION, GENITAL AND EAR ANOMALIES; Coloboma, heart anomaly, choanal atresia, retardation, genital and ear anomalies; CHARGE association; Hall-Hittner syndrome; Hittner Hirsch Kreh syndrome. Identifiers: Orphanet 138, MedGen C0265354, MONDO:0008965.

Submissions (2):

Institute of Human Genetics Munich, TUM University Hospital
Classification: Likely pathogenic for CHD7-related CHARGE syndrome. Last evaluated: 2017-12-13. Review status: criteria provided, single submitter. Criteria: Classification criteria August 2017. Collection method: clinical testing. Allele origin: germline. Inheritance: Autosomal dominant inheritance. Affected: yes. Observed: 1 heterozygote.

Labcorp Genetics (formerly Invitae), Labcorp
Classification: Pathogenic for CHARGE syndrome. Last evaluated: 2016-10-18. Review status: criteria provided, single submitter. Criteria: Invitae Variant Classification Sherloc (09022015). Collection method: clinical testing. Allele origin: germline.
Comment: For these reasons, this variant has been classified as Pathogenic. While this particular variant has not been reported in the literature, loss-of-function variants in CHD7 are known to be pathogenic (PMID: 16400610, 22461308). This sequence change creates a premature translational stop signal at codon 2429 (p.Glu2429*) of the CHD7 gene. It is expected to result in an absent or disrupted protein product.

Literature cited by the submitters: PubMed 16400610 (cited by Labcorp Genetics (formerly Invitae), Labcorp); PubMed 22461308 (cited by Labcorp Genetics (formerly Invitae), Labcorp).

NM_017780.4(CHD7):c.7285G>T (p.Glu2429Ter)

Gene: CHD7 (chromodomain helicase DNA binding protein 7; plus strand). Cytogenetic location: 8q12.2.
Variant type: single nucleotide variant.
Coding change: c.7285G>T on transcript NM_017780.4 (MANE Select); coding-DNA position 7285, G replaced by T.
Protein change: p.Glu2429Ter; replaces glutamic acid 2429 with a stop codon.
Molecular consequence: nonsense. On other transcripts: intron variant (1).
Genome position (GRCh38, 1-based): chr8:60,856,565, G>T. VCF-style: chr8-60856565-G-T. GRCh37 (hg19) VCF-style: chr8-61769124-G-T.
Other names: c.1717-5664G>T (NM_001316690.1); short protein forms E2429*.
Identifiers: ClinVar variation 411189 (VCV000411189.9), dbSNP rs773047607, ClinGen allele CA16612460.